The following is an entry in ClinVar:

ClinVar aggregate classification (germline): Uncertain significance (1 of 4 stars; one submission).

Conditions:
Rhabdoid tumor predisposition syndrome 2 (RTPS2). Identifiers: Orphanet 231108, Orphanet 69077, MedGen C2750074, MONDO:0013224, OMIM 613325.

Submission:

Labcorp Genetics (formerly Invitae), Labcorp
Classification: Uncertain significance for Rhabdoid tumor predisposition syndrome 2. Last evaluated: 2019-07-04. Review status: criteria provided, single submitter. Criteria: Invitae Variant Classification Sherloc (09022015). Collection method: clinical testing. Allele origin: germline.
Comment: In summary, the available evidence is currently insufficient to determine the role of this variant in disease. Therefore, it has been classified as a Variant of Uncertain Significance. Algorithms developed to predict the effect of missense changes on protein structure and function are either unavailable or do not agree on the potential impact of this missense change (SIFT: "Deleterious"; PolyPhen-2: "Possibly Damaging"; Align-GVGD: "Class C15"). This variant has not been reported in the literature in individuals with SMARCA4-related conditions. The frequency data for this variant in the population databases is considered unreliable, as metrics indicate insufficient coverage at this position in the ExAC database. This sequence change replaces proline with histidine at codon 221 of the SMARCA4 protein (p.Pro221His). The proline residue is highly conserved and there is a moderate physicochemical difference between proline and histidine.

NM_003072.5(SMARCA4):c.662C>A (p.Pro221His)

Gene: SMARCA4 (SWI/SNF related BAF chromatin remodeling complex subunit ATPase 4; plus strand). Cytogenetic location: 19p13.2.
Variant type: single nucleotide variant.
Coding change: c.662C>A on transcript NM_003072.5 (MANE Select); coding-DNA position 662, C replaced by A.
Protein change: p.Pro221His; replaces proline 221 with histidine.
Molecular consequence: missense variant. On other transcripts: non-coding transcript variant (1).
Genome position (GRCh38, 1-based): chr19:10,986,495, C>A. VCF-style: chr19-10986495-C-A. GRCh37 (hg19) VCF-style: chr19-11097171-C-A.
Other names: c.662C>A, p.Pro221His (NM_001128844.3, NM_001128845.2, NM_001128846.2 and 4 more transcripts); short protein forms P221H.
Identifiers: ClinVar variation 956812 (VCV000956812.9), dbSNP rs1599952032, ClinGen allele CA404056861.